The following is an entry in ClinVar:

NM_000368.5(TSC1):c.23G>A (p.Gly8Glu)

Gene: TSC1 (TSC complex subunit 1; minus strand). Cytogenetic location: 9q34.13.
Variant type: single nucleotide variant.
Coding change: c.23G>A on transcript NM_000368.5 (MANE Select); coding-DNA position 23, G replaced by A.
Protein change: p.Gly8Glu; replaces glycine 8 with glutamic acid.
Molecular consequence: missense variant. On other transcripts: 5 prime UTR variant (1).
Genome position (GRCh38, 1-based): chr9:132,928,850, C>T on the plus strand (G>A on the coding strand, the complement: TSC1 is on the minus strand). VCF-style: chr9-132928850-C-T. GRCh37 (hg19) VCF-style: chr9-135804237-C-T.
Other names: c.23G>A, p.Gly8Glu (NM_001162426.2, NM_001162427.2); c.-237G>A (NM_001362177.2); short protein forms G8E.
Identifiers: ClinVar variation 1379978 (VCV001379978.8), dbSNP rs1269896419, ClinGen allele CA375375428.

ClinVar aggregate classification (germline): Uncertain significance (1 of 4 stars; one submission).

Conditions:
Tuberous sclerosis 1 (TSC1). Identifiers: Orphanet 805, MedGen C1854465, MONDO:0008612, OMIM 191100.

Allele frequency attached by ClinVar (database versions not stated): gnomAD exomes below 0.00001.
gnomAD v4.1: 1 of 1,614,194 alleles (0.000062%); highest among the groups gnomAD compares: Admixed American, 0.0017%; no homozygotes.

Submission:

Labcorp Genetics (formerly Invitae), Labcorp
Classification: Uncertain significance for Tuberous sclerosis 1. Last evaluated: 2025-06-29. Review status: criteria provided, single submitter. Criteria: Invitae Variant Classification Sherloc (09022015). Collection method: clinical testing. Allele origin: germline.
Comment: This sequence change replaces glycine, which is neutral and non-polar, with glutamic acid, which is acidic and polar, at codon 8 of the TSC1 protein (p.Gly8Glu). This variant is not present in population databases (gnomAD no frequency). This variant has not been reported in the literature in individuals affected with TSC1-related conditions. ClinVar contains an entry for this variant (Variation ID: 1379978). Invitae Evidence Modeling of protein sequence and biophysical properties (such as structural, functional, and spatial information, amino acid conservation, physicochemical variation, residue mobility, and thermodynamic stability) indicates that this missense variant is not expected to disrupt TSC1 protein function with a negative predictive value of 95%. In summary, the available evidence is currently insufficient to determine the role of this variant in disease. Therefore, it has been classified as a Variant of Uncertain Significance.